The following is an entry in ClinVar:

ClinVar aggregate classification (germline): Uncertain significance (1 of 4 stars; one submission).

gnomAD v4.1: 17 of 1,593,482 alleles (0.0011%); highest among the groups gnomAD compares: Non-Finnish European, 0.0014%; no homozygotes.

Submission:

CeGaT Center for Human Genetics Tuebingen
Classification: Uncertain significance. Last evaluated: 2023-06-01. Review status: criteria provided, single submitter. Criteria: CeGaT Center For Human Genetics Tuebingen Variant Classification Criteria Version 2. Collection method: clinical testing. Allele origin: germline. Affected: yes. Observed: 1 variant allele.
Comment: EIF3F: PM2

NM_003754.3(EIF3F):c.10C>G (p.Pro4Ala)

Gene: EIF3F (eukaryotic translation initiation factor 3 subunit F; plus strand). Cytogenetic location: 11p15.4.
Variant type: single nucleotide variant.
Coding change: c.10C>G on transcript NM_003754.3 (MANE Select); coding-DNA position 10, C replaced by G.
Protein change: p.Pro4Ala; replaces proline 4 with alanine.
Molecular consequence: missense variant.
Genome position (GRCh38, 1-based): chr11:7,987,362, C>G. VCF-style: chr11-7987362-C-G. GRCh37 (hg19) VCF-style: chr11-8008909-C-G.
Other names: short protein forms P4A.
Identifiers: ClinVar variation 2570795 (VCV002570795.27), dbSNP rs367735033, ClinGen allele CA5870360.